The following is an entry in ClinVar:

ClinVar aggregate classification (germline): Uncertain significance. Review status: criteria provided, single submitter (1 of 4 stars). 2 submissions from 2 submitters: Uncertain significance (1). 1 of the submissions does not count toward it. Last evaluated 2023-07-29.

Conditions:
Immunodeficiency 14 (IMD14A). Also called: p110-DELTA-ACTIVATING MUTATION CAUSING SENESCENT T CELLS, LYMPHADENOPATHY, AND IMMUNODEFICIENCY; IMMUNODEFICIENCY 14A WITH LYMPHOPROLIFERATION, AUTOSOMAL DOMINANT; ACTIVATED PI3K-DELTA SYNDROME 1; Activated PI3K Delta Syndrome Type 1 (APDS1). Identifiers: Orphanet 397596, Orphanet 693661, MedGen C5907821, MONDO:0014222, OMIM 615513.
PIK3CD-related disorder. Also called: PIK3CD-related condition.

gnomAD v4.1: 5 of 1,613,440 alleles (0.00031%); highest among the groups gnomAD compares: Non-Finnish European, 0.00042%; no homozygotes.

Submissions (2):

Labcorp Genetics (formerly Invitae), Labcorp
Classification: Uncertain significance for Activated PI3K-delta syndrome. Last evaluated: 2023-07-29. Review status: criteria provided, single submitter. Criteria: Invitae Variant Classification Sherloc (09022015). Collection method: clinical testing. Allele origin: germline.
Comment: This variant is present in population databases (no rsID available, gnomAD 0.0009%). This sequence change replaces asparagine, which is neutral and polar, with lysine, which is basic and polar, at codon 114 of the PIK3CD protein (p.Asn114Lys). This variant has not been reported in the literature in individuals affected with PIK3CD-related conditions. In summary, the available evidence is currently insufficient to determine the role of this variant in disease. Therefore, it has been classified as a Variant of Uncertain Significance. Advanced modeling of protein sequence and biophysical properties (such as structural, functional, and spatial information, amino acid conservation, physicochemical variation, residue mobility, and thermodynamic stability) has been performed at Invitae for this missense variant, however the output from this modeling did not meet the statistical confidence thresholds required to predict the impact of this variant on PIK3CD protein function.

PreventionGenetics, part of Exact Sciences
Classification: Uncertain significance for PIK3CD-related condition. Last evaluated: 2024-06-07. Review status: no assertion criteria provided. Collection method: clinical testing. Allele origin: germline. Not counted in ClinVar's aggregate classification.
Comment: The PIK3CD c.342C>G variant is predicted to result in the amino acid substitution p.Asn114Lys. To our knowledge, this variant has not been reported in the literature. This variant is reported in 0.00090% of alleles in individuals of European (Non-Finnish) descent in gnomAD. At this time, the clinical significance of this variant is uncertain due to the absence of conclusive functional and genetic evidence.

NM_005026.5(PIK3CD):c.342C>G (p.Asn114Lys)

Gene: PIK3CD (phosphatidylinositol-4,5-bisphosphate 3-kinase catalytic subunit delta; plus strand). Cytogenetic location: 1p36.22.
Variant type: single nucleotide variant.
Coding change: c.342C>G on transcript NM_005026.5 (MANE Select); coding-DNA position 342, C replaced by G.
Protein change: p.Asn114Lys; replaces asparagine 114 with lysine.
Molecular consequence: missense variant.
Genome position (GRCh38, 1-based): chr1:9,715,741, C>G. VCF-style: chr1-9715741-C-G. GRCh37 (hg19) VCF-style: chr1-9775799-C-G.
Other names: c.342C>G, p.Asn114Lys (NM_001350234.2, NM_001350235.1); short protein forms N114K.
Identifiers: ClinVar variation 2808180 (VCV002808180.4), dbSNP rs201273776, ClinGen allele CA338300383.